The following is an entry in ClinVar:

NM_005633.4(SOS1):c.800_811del (p.Val267_Thr270del)

Gene: SOS1 (SOS Ras/Rac guanine nucleotide exchange factor 1; minus strand). Cytogenetic location: 2p22.1.
Variant type: Deletion.
Coding change: c.800_811del on transcript NM_005633.4 (MANE Select); coding-DNA positions 800 to 811, 12 bases deleted (TAGAAATGACAG).
Protein change: p.Val267_Thr270del.
Molecular consequence: inframe deletion. On other transcripts: inframe indel (1).
Genome position (GRCh38, 1-based): chr2:39,051,197-39,051,208, CTGTCATTTCTA deleted on the plus strand (TAGAAATGACAG on the coding strand, the reverse complement: SOS1 is on the minus strand); deleting any 12 consecutive bases within chr2:39,051,197-39,051,212 gives the same sequence; the c. name uses the placement nearest the transcript's 3' end. VCF-style (leftmost placement, unchanged base first): chr2-39051196-TCTGTCATTTCTA-T. GRCh37 (hg19) VCF-style: chr2-39278337-TCTGTCATTTCTA-T.
Other names: c.779_790del, p.Val260_Thr263del (NM_001382394.1); c.800_811del, p.Val267_Thr270del (NM_001382395.1); c.796_807delACAGTAGAAATG, p.Val267_Thr270del (NM_005633.3).
Identifiers: ClinVar variation 2579978 (VCV002579978.2), dbSNP rs2529154902, ClinGen allele CA2580618002.

ClinVar aggregate classification (germline): Uncertain significance (1 of 4 stars; one submission).

Submission:

GeneDx
Classification: Uncertain significance. Last evaluated: 2026-01-22. Review status: criteria provided, single submitter. Criteria: GeneDx Variant Classification Process June 2021. Collection method: clinical testing. Allele origin: germline.
Comment: Not observed at significant frequency in large population cohorts (gnomAD); In-frame deletion of 4 amino acid(s) in a non-repeat region; In silico analysis supports a deleterious effect on protein structure/function; Has not been previously published as pathogenic or benign to our knowledge; This variant is associated with the following publications: (PMID: 12628188, 17143282, 20648242, 21387466, 29493581)